The following is an entry in ClinVar:

ClinVar aggregate classification (germline): Conflicting classifications of pathogenicity. Review status: criteria provided, conflicting classifications (1 of 4 stars). 3 submissions from 3 submitters: Uncertain significance (1); Benign (1). 1 of the submissions does not count toward it. Last evaluated 2025-12-09.

Conditions:
FLNA-related disorder.
Heterotopia, periventricular, X-linked dominant (PVNH1). Also called: PERIVENTRICULAR NODULAR HETEROTOPIA 4; HETEROTOPIA, PERIVENTRICULAR, 1; PERIVENTRICULAR NODULAR HETEROTOPIA 1; X-linked periventricular heterotopia. Identifiers: Orphanet 2149, Orphanet 82004, MedGen C1848213, MONDO:0010233, OMIM 300049.
Melnick-Needles syndrome (MNS). Also called: Melnick-Needles Syndrome (FLNA-MNS); MELNICK-NEEDLES OSTEODYSPLASTY; OSTEODYSPLASTY OF MELNICK AND NEEDLES. Identifiers: Orphanet 2484, MedGen C0025237, MONDO:0010650, OMIM 309350.
Frontometaphyseal dysplasia (FMD1). Identifiers: Orphanet 1826, MedGen C0265293, MONDO:0015942.
Oto-palato-digital syndrome, type II (OPD2). Also called: Otopalatodigital Syndrome Type 2 (FLNA-OPD2); Otopalatodigital Syndrome, Type II; FACIOPALATOOSSEOUS SYNDROME; OPD II SYNDROME. Identifiers: Orphanet 669, Orphanet 90652, MedGen C1844696, MONDO:0010571, OMIM 304120.

Allele frequency attached by ClinVar (database versions not stated): gnomAD 0.00002 and 0.00003; gnomAD exomes 0.00002 and 0.00008; TOPMed 0.00002; ExAC 0.00006.
gnomAD v4.1: 23 of 1,209,881 alleles (0.0019%); highest among the groups gnomAD compares: East Asian, 0.05%; no homozygotes.

Submissions (3):

Labcorp Genetics (formerly Invitae), Labcorp
Classification: Benign for Oto-palato-digital syndrome, type II; Heterotopia, periventricular, X-linked dominant; Frontometaphyseal dysplasia; Melnick-Needles syndrome. Last evaluated: 2025-12-09. Review status: criteria provided, single submitter. Criteria: Invitae Variant Classification Sherloc (09022015). Collection method: clinical testing. Allele origin: germline.

Center for Genomic Medicine, Rigshospitalet, Copenhagen University Hospital
Classification: Uncertain significance. Last evaluated: 2025-03-04. Review status: criteria provided, single submitter. Criteria: ACMG Guidelines, 2015. Collection method: clinical testing. Allele origin: germline.

PreventionGenetics, part of Exact Sciences
Classification: Likely benign for FLNA-related condition. Last evaluated: 2023-04-25. Review status: no assertion criteria provided. Collection method: clinical testing. Allele origin: germline. Not counted in ClinVar's aggregate classification.
Comment: This variant is classified as likely benign based on ACMG/AMP sequence variant interpretation guidelines (Richards et al. 2015 PMID: 25741868, with internal and published modifications).

NM_001110556.2(FLNA):c.1693C>T (p.Pro565Ser)

Gene: FLNA (filamin A; minus strand). Cytogenetic location: Xq28.
Variant type: single nucleotide variant.
Coding change: c.1693C>T on transcript NM_001110556.2 (MANE Select); coding-DNA position 1693, C replaced by T.
Protein change: p.Pro565Ser; replaces proline 565 with serine.
Molecular consequence: missense variant.
Genome position (GRCh38, 1-based): chrX:154,364,956, G>A on the plus strand (C>T on the coding strand, the complement: FLNA is on the minus strand). VCF-style: chrX-154364956-G-A. GRCh37 (hg19) VCF-style: chrX-153593324-G-A.
Other names: c.1693C>T, p.Pro565Ser (NM_001456.4); c.1693C>T (NM_001110556.1); short protein forms P565S.
Identifiers: ClinVar variation 569957 (VCV000569957.15), dbSNP rs782580317, ClinGen allele CA10561096.